The following is an entry in ClinVar:

ClinVar aggregate classification (germline): Uncertain significance (1 of 4 stars; one submission).

Conditions:
Familial cold autoinflammatory syndrome 3 (FCAS3). Also called: FAMILIAL ATYPICAL COLD URTICARIA; ANTIBODY DEFICIENCY AND IMMUNE DYSREGULATION, PLCG2-ASSOCIATED. Identifiers: Orphanet 300359, MedGen C3280914, MONDO:0013766, OMIM 614468.

Allele frequency attached by ClinVar (database versions not stated): gnomAD exomes below 0.00001; TOPMed below 0.00001; gnomAD 0.00001; ExAC 0.00002.
gnomAD v4.1: 9 of 1,614,026 alleles (0.00056%); highest among the groups gnomAD compares: East Asian, 0.0022%; no homozygotes.

Submission:

Labcorp Genetics (formerly Invitae), Labcorp
Classification: Uncertain significance for Familial cold autoinflammatory syndrome 3. Last evaluated: 2025-04-07. Review status: criteria provided, single submitter. Criteria: Invitae Variant Classification Sherloc (09022015). Collection method: clinical testing. Allele origin: germline.
Comment: This sequence change replaces asparagine, which is neutral and polar, with lysine, which is basic and polar, at codon 696 of the PLCG2 protein (p.Asn696Lys). This variant is present in population databases (rs775025176, gnomAD 0.006%). This variant has not been reported in the literature in individuals affected with PLCG2-related conditions. ClinVar contains an entry for this variant (Variation ID: 1010041). An algorithm developed to predict the effect of missense changes on protein structure and function (PolyPhen-2) suggests that this variant is likely to be tolerated. In summary, the available evidence is currently insufficient to determine the role of this variant in disease. Therefore, it has been classified as a Variant of Uncertain Significance.

NM_002661.5(PLCG2):c.2088C>G (p.Asn696Lys)

Gene: PLCG2 (phospholipase C gamma 2; plus strand). Cytogenetic location: 16q23.3.
Variant type: single nucleotide variant.
Coding change: c.2088C>G on transcript NM_002661.5 (MANE Select); coding-DNA position 2088, C replaced by G.
Protein change: p.Asn696Lys; replaces asparagine 696 with lysine.
Molecular consequence: missense variant.
Genome position (GRCh38, 1-based): chr16:81,919,517, C>G. VCF-style: chr16-81919517-C-G. GRCh37 (hg19) VCF-style: chr16-81953122-C-G.
Other names: short protein forms N696K.
Identifiers: ClinVar variation 1010041 (VCV001010041.8), dbSNP rs775025176, ClinGen allele CA8194082.
Genomic context (GRCh38, chr16:81,919,517, plus strand): 5'-GTCAACCCTGTGTTCTTCCTGCTCCAGGGCTAGGGGCAAGGTAAAGCATTGTCGCATCAA[C>G]CGGGACGGCCGGCACTTTGTGCTGGGGACCTCCGCCTATTTTGAGAGTCTGGTGGAGCTC-3'
Protein context (NP_002652.2, residues 686-706): ARGKVKHCRI[Asn696Lys]RDGRHFVLGT